The following is an entry in ClinVar:

NM_000089.4(COL1A2):c.3656G>A (p.Ser1219Asn)

Gene: COL1A2 (collagen type I alpha 2 chain; plus strand). Cytogenetic location: 7q21.3.
Variant type: single nucleotide variant.
Coding change: c.3656G>A on transcript NM_000089.4 (MANE Select); coding-DNA position 3656, G replaced by A.
Protein change: p.Ser1219Asn; replaces serine 1219 with asparagine.
Molecular consequence: missense variant.
Genome position (GRCh38, 1-based): chr7:94,428,422, G>A. VCF-style: chr7-94428422-G-A. GRCh37 (hg19) VCF-style: chr7-94057734-G-A.
Other names: short protein forms S1219N.
Identifiers: ClinVar variation 456833 (VCV000456833.10), dbSNP rs1554398702, ClinGen allele CA368226449.

ClinVar aggregate classification (germline): Uncertain significance (1 of 4 stars; one submission).

Conditions:
Ehlers-Danlos syndrome, classic type, 1 (EDSCL1). Also called: EHLERS-DANLOS SYNDROME, GRAVIS TYPE; EHLERS-DANLOS SYNDROME, SEVERE CLASSIC TYPE; EDS I; Ehlers-Danlos Syndrome, Classic Type, COL5A1-Related; Ehlers-Danlos syndrome, type 1. Identifiers: MedGen C0268335, MONDO:0019567, OMIM 130000.
Osteogenesis imperfecta type I (OI1). Also called: OI, TYPE I; OSTEOGENESIS IMPERFECTA TARDA; OSTEOGENESIS IMPERFECTA WITH BLUE SCLERAE; Classic Non-deforming Osteogenesis Imperfecta with Blue Sclerae; Lobstein disease; Osteogenesis imperfecta type 1. Identifiers: Orphanet 216796, Orphanet 666, MedGen C0023931, MONDO:0008146, OMIM 166200. Disease mechanism: loss of function.

gnomAD v4.1: 1 of 1,614,136 alleles (0.000062%); highest among the groups gnomAD compares: Non-Finnish European, 0.000085%; no homozygotes.

Submission:

Labcorp Genetics (formerly Invitae), Labcorp
Classification: Uncertain significance for Osteogenesis imperfecta type I; Ehlers-Danlos syndrome, classic type, 1. Last evaluated: 2017-04-03. Review status: criteria provided, single submitter. Criteria: Invitae Variant Classification Sherloc (09022015). Collection method: clinical testing. Allele origin: germline.
Comment: This variant is not present in population databases (ExAC no frequency) and has not been reported in the literature in individuals with a COL1A2-related disease. This sequence change replaces serine with asparagine at codon 1219 of the COL1A2 protein (p.Ser1219Asn). The serine residue is weakly conserved and there is a small physicochemical difference between serine and asparagine. Algorithms developed to predict the effect of missense changes on protein structure and function output the following: SIFT: "Tolerated"; PolyPhen-2: "Unknown"; Align-GVGD: "Class C0". The asparagine amino acid residue is found in multiple mammalian species, suggesting that this missense change does not adversely affect protein function. These predictions have not been confirmed by published functional studies. In summary, this variant is a novel missense change that is not predicted to affect protein function. There is no indication that it causes disease, but the available evidence is currently insufficient to prove that conclusively. Therefore, it has been classified as a Variant of Uncertain Significance.